The following is an entry in ClinVar:

ClinVar aggregate classification (germline): Uncertain significance (1 of 4 stars; one submission).

Conditions:
Pilarowski-Bjornsson syndrome. Also called: DEVELOPMENTAL DELAY AND SPEECH APRAXIA WITH OR WITHOUT SEIZURES. Identifiers: Orphanet 529965, MedGen C4540131, MONDO:0060568, OMIM 617682.

Submission:

University of Washington Department of Laboratory Medicine, University of Washington
Classification: Uncertain significance for Pilarowski-Bjornsson syndrome. Last evaluated: 2023-09-12. Review status: criteria provided, single submitter. Criteria: ACMG Guidelines, 2015. Collection method: clinical testing. Allele origin: unknown. Affected: yes.
Comment: The c.3237+1G>A variant in the CHD1 gene has not been previously reported in association with disease and was absent from large population databases, including the Genome Aggregation Database. This variant alters the canonical donor splice site in intron 23, which is predicted to result in abnormal gene splicing. These predictions have not been tested directly. Loss of CHD1 function is not currently an established mechanism of disease; however, data from the Genome Aggregation Database suggests this gene is intolerant to variants that result in loss of function. Using ACMG guidelines, this variant was classified as a variant of uncertain significance (ACMG evidence codes used: PVS1_moderate, PM2_supporting).

NM_001270.4(CHD1):c.3237+1G>A

Gene: CHD1 (chromodomain helicase DNA binding protein 1; minus strand). Cytogenetic location: 5q15.
Variant type: single nucleotide variant.
Coding change: c.3237+1G>A on transcript NM_001270.4 (MANE Select); the canonical splice donor site of the intron after coding-DNA position 3237, G replaced by A.
Molecular consequence: splice donor variant.
Genome position (GRCh38, 1-based): chr5:98,879,551, C>T on the plus strand (G>A on the coding strand, the complement: CHD1 is on the minus strand). VCF-style: chr5-98879551-C-T. GRCh37 (hg19) VCF-style: chr5-98215255-C-T.
Other names: c.3237+1G>A (NM_001376194.2, NM_001364113.3, NM_001270.2).
Identifiers: ClinVar variation 3777081 (VCV003777081.1).